The following is an entry in ClinVar:

ClinVar aggregate classification (germline): Uncertain significance (1 of 4 stars; one submission).

Conditions:
Autosomal dominant limb-girdle muscular dystrophy type 1D (DNAJB6) (LGMDD1). Also called: Autosomal dominant limb-girdle muscular dystrophy type 1D; Muscular dystrophy, limb-girdle, autosomal dominant 1; MUSCULAR DYSTROPHY, AUTOSOMAL DOMINANT, WITH RIMMED VACUOLES; MUSCULAR DYSTROPHY, LIMB-GIRDLE, TYPE 1D. Identifiers: Orphanet 34516, MedGen C4721885, MONDO:0021018, OMIM 603511.

Submission:

Centre for Mendelian Genomics, University Medical Centre Ljubljana
Classification: Uncertain significance for Autosomal dominant limb-girdle muscular dystrophy type 1D (DNAJB6). Last evaluated: 2020-03-20. Review status: criteria provided, single submitter. Criteria: ACMG Guidelines, 2015. Collection method: clinical testing. Allele origin: unknown. Affected: yes.
Comment: This variant was classified as: Uncertain significance. The following ACMG criteria were applied in classifying this variant: PM2,PP3.

NM_058246.4(DNAJB6):c.939_942del (p.Glu314fs)

Gene: DNAJB6 (DnaJ heat shock protein family (Hsp40) member B6; plus strand). Cytogenetic location: 7q36.3.
Variant type: Microsatellite.
Coding change: c.939_942del on transcript NM_058246.4 (MANE Select); coding-DNA positions 939 to 942, 4 bases deleted (AGAG; older notation c.939_942delAGAG).
Protein change: p.Glu314fs; shifts the reading frame from glutamic acid 314.
Molecular consequence: frameshift variant.
Genome position (GRCh38, 1-based): chr7:157,416,056-157,416,059, AGAG deleted; deleting any 4 consecutive bases within chr7:157,416,052-157,416,059 gives the same sequence; the c. name uses the placement nearest the transcript's 3' end. VCF-style (leftmost placement, unchanged base first): chr7-157416051-CAGAG-C. GRCh37 (hg19) VCF-style: chr7-157208745-CAGAG-C.
Other names: c.594_597del, p.Glu199fs (NM_001363676.1); short protein forms E199fs, E314fs.
Identifiers: ClinVar variation 931297 (VCV000931297.3), dbSNP rs1224632028, ClinGen allele CA1755563760.
Genomic context (GRCh38, chr7:157,416,051, plus strand): 5'-TGTTTTACAAGCCGTGTTTCCTTAGGATTGAAAGAAGGTGGCAAGAGGAAGAAGCAGAAG[CAGAG>C]AGAGGAGTCGAAGAAGAAGAAGTCGACCAAAGGCAATCACTAGACCGGACTTGAGGCACG-3'